The following is an entry in ClinVar:

ClinVar aggregate classification (germline): Likely benign (1 of 4 stars; one submission).

Submission:

CeGaT Center for Human Genetics Tuebingen
Classification: Likely benign. Last evaluated: 2024-03-01. Review status: criteria provided, single submitter. Criteria: CeGaT Center For Human Genetics Tuebingen Variant Classification Criteria Version 2. Collection method: clinical testing. Allele origin: germline. Affected: yes. Observed: 1 variant allele.
Comment: CR1: PM2:Supporting, BP4, BP7

NM_000651.6(CR1):c.804T>G (p.Pro268=)

Gene: CR1 (complement C3b/C4b receptor 1 (Knops blood group); plus strand). Cytogenetic location: 1q32.2.
Variant type: single nucleotide variant.
Coding change: c.804T>G on transcript NM_000651.6 (MANE Select); coding-DNA position 804, T replaced by G.
Protein change: p.Pro268=; no amino-acid change (proline 268 retained).
Molecular consequence: synonymous variant.
Genome position (GRCh38, 1-based): chr1:207,523,927, T>G. VCF-style: chr1-207523927-T-G. GRCh37 (hg19) VCF-style: chr1-207697272-T-G.
Other names: c.804T>G, p.Pro268= (NM_000573.4).
Identifiers: ClinVar variation 3067527 (VCV003067527.21), dbSNP rs2527358059, ClinGen allele CA422957754.